The following is an entry in ClinVar:

NM_005654.6(NR2F1):c.1165TTC[1] (p.Phe390del)

Gene: NR2F1 (nuclear receptor subfamily 2 group F member 1; plus strand). Cytogenetic location: 5q15.
Variant type: Microsatellite.
Coding change: c.1165TTC[1] on transcript NM_005654.6 (MANE Select); one copy of the 3-base unit TTC starting at c.1165; the reference has two copies in a row; one copy, 3 bases deleted.
Protein change: p.Phe390del; deletes phenylalanine 390.
Molecular consequence: inframe deletion.
Genome position (GRCh38, 1-based): chr5:93,593,738-93,593,740, TTC deleted; deleting any 3 consecutive bases within chr5:93,593,733-93,593,740 gives the same sequence; the position shown is the placement nearest the transcript's 3' end. VCF-style (leftmost placement, unchanged base first): chr5-93593732-CTCT-C. GRCh37 (hg19) VCF-style: chr5-92929438-CTCT-C.
Other names: short protein forms F390del.
Identifiers: ClinVar variation 420405 (VCV000420405.2), dbSNP rs1064794459, ClinGen allele CA16618226.

ClinVar aggregate classification (germline): Likely pathogenic (1 of 4 stars; one submission).

Submission:

GeneDx
Classification: Likely pathogenic. Last evaluated: 2017-01-05. Review status: criteria provided, single submitter. Criteria: GeneDx Variant Classification (06012015). Collection method: clinical testing. Allele origin: germline. Affected: yes.
Comment: A variant that is likely pathogenic has been identified in the NR2F1 gene. The c.1168_1170delTTC variant has not been published as a pathogenic variant, nor has it been reported as a benign variant to our knowledge. It was not observed in approximately 6,500 individuals of European and African American ancestry in the NHLBI Exome Sequencing Project, indicating it is not a common benign variant in these populations. The c.1168_1170delTTC variant results in an in-frame deletion of a single Phenylalanine residue, denoted p.F390del. This deletion occurs at a position that is conserved across species.